The following is an entry in ClinVar:

NM_001206999.2(CIT):c.3072C>T (p.Asp1024=)

Gene: CIT (citron rho-interacting serine/threonine kinase; minus strand). Cytogenetic location: 12q24.23.
Variant type: single nucleotide variant.
Coding change: c.3072C>T on transcript NM_001206999.2 (MANE Select); coding-DNA position 3072, C replaced by T.
Protein change: p.Asp1024=; no amino-acid change (aspartic acid 1024 retained).
Molecular consequence: synonymous variant.
Genome position (GRCh38, 1-based): chr12:119,735,244, G>A on the plus strand (C>T on the coding strand, the complement: CIT is on the minus strand). VCF-style: chr12-119735244-G-A. GRCh37 (hg19) VCF-style: chr12-120173049-G-A.
Other names: c.2946C>T, p.Asp982= (NM_007174.3).
Identifiers: ClinVar variation 1900745 (VCV001900745.29), dbSNP rs368639066, ClinGen allele CA6821611.
Genomic context (GRCh38, chr12:119,735,244, plus strand): 5'-CTCTCGTTCCGTGATCTCCCGGCGGAGATGGTCCACTTCACTTCGCAGTTGTACAATCTC[G>A]TCGTTGGCGCCAGAAGCCTCATCGAGTTGTTTGGACAAGTAGAAGTTTTGGTTGTTGAGT-3'
Protein context (NP_001193928.1, residues 1014-1034): KQLDEASGAN[Asp1024=]EIVQLRSEVD

ClinVar aggregate classification (germline): Likely benign. Review status: criteria provided, multiple submitters, no conflicts (2 of 4 stars). 2 submissions from 2 submitters: Likely benign (2). Last evaluated 2024-03-15.

Allele frequency attached by ClinVar (database versions not stated): ExAC 0.00005; gnomAD 0.00008; TOPMed 0.00012; 1000 Genomes Project 30x 0.00031; 1000 Genomes Project 0.00040.
gnomAD v4.1: 45 of 1,614,162 alleles (0.0028%); highest among the groups gnomAD compares: African/African-American, 0.028%; no homozygotes.

Submissions (2):

Labcorp Genetics (formerly Invitae), Labcorp
Classification: Likely benign. Last evaluated: 2024-03-15. Review status: criteria provided, single submitter. Criteria: Invitae Variant Classification Sherloc (09022015). Collection method: clinical testing. Allele origin: germline.

CeGaT Center for Human Genetics Tuebingen
Classification: Likely benign. Last evaluated: 2023-10-01. Review status: criteria provided, single submitter. Criteria: CeGaT Center For Human Genetics Tuebingen Variant Classification Criteria Version 2. Collection method: clinical testing. Allele origin: germline. Affected: yes. Observed: 1 variant allele.
Comment: CIT: BP4, BP7